The following is an entry in ClinVar:

ClinVar aggregate classification (germline): Conflicting classifications of pathogenicity. Review status: criteria provided, conflicting classifications (1 of 4 stars). 4 submissions from 4 submitters: Likely pathogenic (1); Uncertain significance (2); Benign (1). Last evaluated 2025-09-04.

Conditions:
Immunodeficiency 95 (IMD95). Identifiers: MedGen C5676929, MONDO:0030692, OMIM 619773.
Singleton-Merten syndrome 1 (SGMRT1). Also called: Widened medullary cavities of bone, aortic calcification, abnormal dentition, and muscular weakness; Syndrome of widened medullary cavities of the metacarpals and phalanges, aortic calcification and abnormal dentition. Identifiers: Orphanet 85191, MedGen C4225427, MONDO:0024535, OMIM 182250.
Aicardi-Goutieres syndrome 7 (AGS7). Identifiers: Orphanet 51, MedGen C3888244, MONDO:0014367, OMIM 615846.
Vascular disorder. Identifiers: MedGen C0042373, MONDO:0005385.

Submissions (4):

First Genomix Gene Laboratory, Genetic Diagnostics Department
Classification: Likely pathogenic for Immunodeficiency 95. Last evaluated: 2025-09-04. Review status: criteria provided, single submitter. Criteria: ACMG Guidelines, 2015. Collection method: clinical testing. Allele origin: germline. Inheritance: Autosomal recessive inheritance. Affected: no. Observed: 1 variant allele.

Labcorp Genetics (formerly Invitae), Labcorp
Classification: Uncertain significance for Aicardi-Goutieres syndrome 7; Singleton-Merten syndrome 1. Last evaluated: 2025-05-21. Review status: criteria provided, single submitter. Criteria: Invitae Variant Classification Sherloc (09022015). Collection method: clinical testing. Allele origin: germline.
Comment: This sequence change creates a premature translational stop signal (p.Gly648Valfs*16) in the IFIH1 gene. It is expected to result in an absent or disrupted protein product. However, the current clinical and genetic evidence is not sufficient to establish whether loss-of-function variants in IFIH1 cause disease. This variant is present in population databases (rs751231371, gnomAD 0.05%), and has an allele count higher than expected for a pathogenic variant. This variant has not been reported in the literature in individuals affected with IFIH1-related conditions. ClinVar contains an entry for this variant (Variation ID: 1431399). Algorithms developed to predict the effect of sequence changes on RNA splicing suggest that this variant may disrupt the consensus splice site. In summary, the available evidence is currently insufficient to determine the role of this variant in disease. Therefore, it has been classified as a Variant of Uncertain Significance.

Revvity Omics, Revvity
Classification: Uncertain significance. Last evaluated: 2023-11-22. Review status: criteria provided, single submitter. Criteria: ACMG Guidelines, 2015. Collection method: clinical testing. Allele origin: germline.

Cambridge Genomics Laboratory, East Genomic Laboratory Hub, NHS Genomic Medicine Service
Classification: Benign for Vascular disorder. Last evaluated: 2019-08-08. Review status: criteria provided, single submitter. Criteria: ACGS Best Practice Guidelines for Variant Classification in Rare Disease 2020. Collection method: clinical testing. Allele origin: germline. Affected: yes. Observed: 1 variant allele.

NM_022168.4(IFIH1):c.1943del (p.Gly648fs)

Gene: IFIH1 (interferon induced with helicase C domain 1; minus strand). Cytogenetic location: 2q24.2.
Variant type: Deletion.
Coding change: c.1943del on transcript NM_022168.4 (MANE Select); coding-DNA position 1943, one base deleted (G; older notation c.1943delG).
Protein change: p.Gly648fs; shifts the reading frame from glycine 648.
Molecular consequence: frameshift variant.
Genome position (GRCh38, 1-based): chr2:162,277,516, C deleted on the plus strand (G on the coding strand, the reverse complement: IFIH1 is on the minus strand); the first of 3 consecutive C bases (chr2:162,277,516-162,277,518); deleting any one gives the same sequence. VCF-style (leftmost placement, unchanged base first): chr2-162277515-AC-A. GRCh37 (hg19) VCF-style: chr2-163134025-AC-A.
Other names: short protein forms G648fs.
Identifiers: ClinVar variation 1431399 (VCV001431399.9), dbSNP rs751231371, ClinGen allele CA1934345.